The following is an entry in ClinVar:

NM_001330360.2(POLA1):c.665C>T (p.Pro222Leu)

Gene: POLA1 (DNA polymerase alpha 1, catalytic subunit; plus strand). Cytogenetic location: Xp22.11.
Variant type: single nucleotide variant.
Coding change: c.665C>T on transcript NM_001330360.2 (MANE Select); coding-DNA position 665, C replaced by T.
Protein change: p.Pro222Leu; replaces proline 222 with leucine.
Molecular consequence: missense variant. On other transcripts: non-coding transcript variant (2).
Genome position (GRCh38, 1-based): chrX:24,716,930, C>T. VCF-style: chrX-24716930-C-T. GRCh37 (hg19) VCF-style: chrX-24735047-C-T.
Other names: c.665C>T, p.Pro222Leu (NM_001378303.1, NM_001440806.1); c.647C>T, p.Pro216Leu (NM_016937.4); short protein forms P216L, P222L.
Identifiers: ClinVar variation 4086363 (VCV004086363.2).
Genomic context (GRCh38, chrX:24,716,930, plus strand): 5'-AAAAACGTTTACAGGCAGTTCCTTCAGGAAAAATTGCTTCCCCTGTCTCCAGAAAGGAGC[C>T]TCCATTAACTCCTGTTCCTCTTAAACGTGCTGAATTTGCTGGTAAGTGTGATGTCAGGCA-3'
Protein context (NP_001317289.1, residues 212-232): KIASPVSRKE[Pro222Leu]PLTPVPLKRA

ClinVar aggregate classification (germline): Uncertain significance (1 of 4 stars; one submission).

gnomAD v4.1: 1 of 1,195,764 alleles (0.000084%); highest among the groups gnomAD compares: Non-Finnish European, 0.00011%; no homozygotes.

Submission:

GeneDx
Classification: Uncertain significance. Last evaluated: 2026-06-24. Review status: criteria provided, single submitter. Criteria: GeneDx Variant Classification Process June 2021. Collection method: clinical testing. Allele origin: germline.
Comment: Not observed at significant frequency in large population cohorts (gnomAD); In silico analysis supports that this missense variant has a deleterious effect on protein structure/function; Has not been previously published as pathogenic or benign to our knowledge